The following is an entry in ClinVar:

ClinVar aggregate classification (germline): Uncertain significance. Review status: criteria provided, single submitter (1 of 4 stars). 2 submissions from 2 submitters: Uncertain significance (1). 1 of the submissions does not count toward it. Last evaluated 2025-06-30.

Conditions:
PHIP-related disorder. Also called: PHIP-related condition; PHIP-related disorders.
Inborn genetic diseases. Identifiers: MedGen C0950123, MeSH D030342.

gnomAD v4.1: 6 of 1,594,042 alleles (0.00038%); highest among the groups gnomAD compares: Non-Finnish European, 0.00051%; no homozygotes.

Submissions (2):

Ambry Genetics
Classification: Uncertain significance for Inborn genetic diseases. Last evaluated: 2025-06-30. Review status: criteria provided, single submitter. Criteria: Ambry Variant Classification Scheme 2023. Collection method: clinical testing. Allele origin: germline.

PreventionGenetics, part of Exact Sciences
Classification: Uncertain significance for PHIP-related condition. Last evaluated: 2024-03-21. Review status: no assertion criteria provided. Collection method: clinical testing. Allele origin: germline. Not counted in ClinVar's aggregate classification.
Comment: The PHIP c.2725C>A variant is predicted to result in the amino acid substitution p.Pro909Thr. To our knowledge, this variant has not been reported in the literature. This variant is reported in 0.0019% of alleles in individuals of European (Non-Finnish) descent in gnomAD. At this time, the clinical significance of this variant is uncertain due to the absence of conclusive functional and genetic evidence.

NM_017934.7(PHIP):c.2725C>A (p.Pro909Thr)

Gene: PHIP (PHIP subunit of CUL4-Ring ligase complex; minus strand). Cytogenetic location: 6q14.1.
Variant type: single nucleotide variant.
Coding change: c.2725C>A on transcript NM_017934.7 (MANE Select); coding-DNA position 2725, C replaced by A.
Protein change: p.Pro909Thr; replaces proline 909 with threonine.
Molecular consequence: missense variant.
Genome position (GRCh38, 1-based): chr6:78,982,930, G>T on the plus strand (C>A on the coding strand, the complement: PHIP is on the minus strand). VCF-style: chr6-78982930-G-T. GRCh37 (hg19) VCF-style: chr6-79692647-G-T.
Other names: c.2725C>A (NM_017934.5); short protein forms P909T.
Identifiers: ClinVar variation 3348429 (VCV003348429.2).